The following is an entry in ClinVar:

ClinVar aggregate classification (germline): Uncertain significance. Review status: criteria provided, multiple submitters, no conflicts (2 of 4 stars). 2 submissions from 2 submitters: Uncertain significance (2). Last evaluated 2022-07-21.

Conditions:
Inborn genetic diseases. Identifiers: MedGen C0950123, MeSH D030342.

Allele frequency attached by ClinVar (database versions not stated): ExAC 0.00014; ESP Exome Variant Server 0.00023; gnomAD 0.00023; 1000 Genomes Project 30x 0.00031.
gnomAD v4.1: 485 of 1,613,672 alleles (0.03%); highest among the groups gnomAD compares: Non-Finnish European, 0.039%; no homozygotes.

Submissions (2):

Labcorp Genetics (formerly Invitae), Labcorp
Classification: Uncertain significance. Last evaluated: 2022-07-21. Review status: criteria provided, single submitter. Criteria: Invitae Variant Classification Sherloc (09022015). Collection method: clinical testing. Allele origin: germline.
Comment: This sequence change replaces methionine, which is neutral and non-polar, with leucine, which is neutral and non-polar, at codon 773 of the TTC37 protein (p.Met773Leu). This variant is present in population databases (rs144734377, gnomAD 0.02%). This variant has not been reported in the literature in individuals affected with TTC37-related conditions. Algorithms developed to predict the effect of missense changes on protein structure and function (SIFT, PolyPhen-2, Align-GVGD) all suggest that this variant is likely to be tolerated. In summary, the available evidence is currently insufficient to determine the role of this variant in disease. Therefore, it has been classified as a Variant of Uncertain Significance.

Ambry Genetics
Classification: Uncertain significance for Inborn genetic diseases. Last evaluated: 2021-09-15. Review status: criteria provided, single submitter. Criteria: Ambry Variant Classification Scheme 2023. Collection method: clinical testing. Allele origin: germline.

NM_014639.4(SKIC3):c.2317A>T (p.Met773Leu)

Gene: SKIC3 (SKI3 subunit of superkiller complex; minus strand). Cytogenetic location: 5q15.
Variant type: single nucleotide variant.
Coding change: c.2317A>T on transcript NM_014639.4 (MANE Select); coding-DNA position 2317, A replaced by T.
Protein change: p.Met773Leu; replaces methionine 773 with leucine.
Molecular consequence: missense variant.
Genome position (GRCh38, 1-based): chr5:95,517,035, T>A on the plus strand (A>T on the coding strand, the complement: SKIC3 is on the minus strand). VCF-style: chr5-95517035-T-A. GRCh37 (hg19) VCF-style: chr5-94852739-T-A.
Other names: short protein forms M773L.
Identifiers: ClinVar variation 1942274 (VCV001942274.3), dbSNP rs144734377, ClinGen allele CA3347112.